The following is an entry in ClinVar:

NM_001042492.3(NF1):c.507A>C (p.Glu169Asp)

Gene: NF1 (neurofibromin 1; plus strand). Cytogenetic location: 17q11.2.
Variant type: single nucleotide variant.
Coding change: c.507A>C on transcript NM_001042492.3 (MANE Select); coding-DNA position 507, A replaced by C.
Protein change: p.Glu169Asp; replaces glutamic acid 169 with aspartic acid.
Molecular consequence: missense variant.
Genome position (GRCh38, 1-based): chr17:31,169,918, A>C. VCF-style: chr17-31169918-A-C. GRCh37 (hg19) VCF-style: chr17-29496936-A-C.
Other names: c.507A>C, p.Glu169Asp (NM_000267.4, NM_001128147.3); short protein forms E169D.
Identifiers: ClinVar variation 2825024 (VCV002825024.3), dbSNP rs1597643779, ClinGen allele CA398984896.
Genomic context (GRCh38, chr17:31,169,918, plus strand): 5'-TTTGATAAGTTAATTTTGGTTTTTACTTTTTAGGTTACAGGAATTAACTGTTTGTTCAGA[A>C]GACAATGTTGATGTTCATGATATAGAATTGTTACAGTATATCAATGTGGATTGTGCAAAA-3'
Protein context (NP_001035957.1, residues 159-179): TRLQELTVCS[Glu169Asp]DNVDVHDIEL

ClinVar aggregate classification (germline): Uncertain significance (1 of 4 stars; one submission).

Conditions:
Neurofibromatosis, type 1 (NF1). Also called: VON RECKLINGHAUSEN DISEASE; Peripheral type neurofibromatosis; Neurofibromatosis, type I; NEUROFIBROMATOSIS, TYPE I, SOMATIC. Identifiers: Orphanet 636, MedGen C0027831, MONDO:0018975, OMIM 162200. Disease mechanism: loss of function.

Submission:

Labcorp Genetics (formerly Invitae), Labcorp
Classification: Uncertain significance for Neurofibromatosis, type 1. Last evaluated: 2022-12-30. Review status: criteria provided, single submitter. Criteria: Invitae Variant Classification Sherloc (09022015). Collection method: clinical testing. Allele origin: germline.
Comment: In summary, the available evidence is currently insufficient to determine the role of this variant in disease. Therefore, it has been classified as a Variant of Uncertain Significance. Advanced modeling of protein sequence and biophysical properties (such as structural, functional, and spatial information, amino acid conservation, physicochemical variation, residue mobility, and thermodynamic stability) has been performed at Invitae for this missense variant, however the output from this modeling did not meet the statistical confidence thresholds required to predict the impact of this variant on NF1 protein function. This variant has not been reported in the literature in individuals affected with NF1-related conditions. This variant is not present in population databases (gnomAD no frequency). This sequence change replaces glutamic acid, which is acidic and polar, with aspartic acid, which is acidic and polar, at codon 169 of the NF1 protein (p.Glu169Asp).